The following is an entry in ClinVar:

ClinVar aggregate classification (germline): Uncertain significance (1 of 4 stars; one submission).

Conditions:
RASopathy. Also called: rasopathies; Noonan spectrum disorder. Identifiers: Orphanet 536391, MedGen C5555857, MONDO:0021060.

Submission:

Labcorp Genetics (formerly Invitae), Labcorp
Classification: Uncertain significance for RASopathy. Last evaluated: 2025-08-09. Review status: criteria provided, single submitter. Criteria: Invitae Variant Classification Sherloc (09022015). Collection method: clinical testing. Allele origin: germline.
Comment: This sequence change replaces glycine, which is neutral and non-polar, with tryptophan, which is neutral and slightly polar, at codon 195 of the CBL protein (p.Gly195Trp). This variant is not present in population databases (gnomAD no frequency). This variant has not been reported in the literature in individuals affected with CBL-related conditions. Invitae Evidence Modeling of protein sequence and biophysical properties (such as structural, functional, and spatial information, amino acid conservation, physicochemical variation, residue mobility, and thermodynamic stability) indicates that this missense variant is expected to disrupt CBL protein function with a positive predictive value of 95%. In summary, the available evidence is currently insufficient to determine the role of this variant in disease. Therefore, it has been classified as a Variant of Uncertain Significance.

NM_005188.4(CBL):c.583G>T (p.Gly195Trp)

Gene: CBL (Cbl proto-oncogene; plus strand). Cytogenetic location: 11q23.3.
Variant type: single nucleotide variant.
Coding change: c.583G>T on transcript NM_005188.4 (MANE Select); coding-DNA position 583, G replaced by T.
Protein change: p.Gly195Trp; replaces glycine 195 with tryptophan.
Molecular consequence: missense variant.
Genome position (GRCh38, 1-based): chr11:119,271,874, G>T. VCF-style: chr11-119271874-G-T. GRCh37 (hg19) VCF-style: chr11-119142584-G-T.
Other names: short protein forms G195W.
Identifiers: ClinVar variation 4800602 (VCV004800602.1).
Genomic context (GRCh38, chr11:119,271,874, plus strand): 5'-CAGGGAGACACATTTCGGATTACTAAAGCAGATGCTGCGGAATTTTGGAGAAAAGCTTTT[G>T]GGGAAAAGTAAGTCTCAGAATAATGAATTTGAACTATGAAAAACTAAAGCTTACGAGTTT-3'
Protein context (NP_005179.2, residues 185-205): DAAEFWRKAF[Gly195Trp]EKTIVPWKSF